The following continues an entry in ClinVar:

NM_007294.4(BRCA1):c.1674del (p.Gly559fs)

Gene: BRCA1. ClinVar aggregate classification (germline): Pathogenic. Pathogenic (1).

Submissions 12 to 22 of 22:

AiLife Diagnostics
Classification: Pathogenic. Last evaluated: 2021-06-03. Review status: criteria provided, single submitter. Criteria: ACMG Guidelines, 2015. Collection method: clinical testing. Allele origin: germline. Affected: yes. Observed: 1 variant allele. Not counted in ClinVar's aggregate classification.

Revvity Omics, Revvity
Classification: Pathogenic. Last evaluated: 2019-10-03. Review status: criteria provided, single submitter. Criteria: ACMG Guidelines, 2015. Collection method: clinical testing. Allele origin: germline. Not counted in ClinVar's aggregate classification.

Women's Health and Genetics/Laboratory Corporation of America, LabCorp
Classification: Pathogenic for Hereditary breast and ovarian cancer syndrome. Last evaluated: 2019-08-09. Review status: criteria provided, single submitter. Criteria: LabCorp Variant Classification Summary - May 2015. Collection method: clinical testing. Allele origin: germline. Not counted in ClinVar's aggregate classification.
Comment: Variant summary: BRCA1 c.1674delA (p.Gly559ValfsX13) results in a premature termination codon, predicted to cause a truncation of the encoded protein or absence of the protein due to nonsense mediated decay, which are commonly known mechanisms for disease. Truncations downstream of this position have been classified as pathogenic by our laboratory. The variant was absent in 250426 control chromosomes (gnomAD). c.1674delA has been reported in the literature in multiple individuals affected with Hereditary Breast and Ovarian Cancer (Rebbeck_2018). These data indicate that the variant is very likely to be associated with disease. To our knowledge, no experimental evidence demonstrating an impact on protein function has been reported. Eight ClinVar submissions (evaluation after 2014) cite the variant as pathogenic. Based on the evidence outlined above, the variant was classified as pathogenic.

Baylor Genetics
Classification: Pathogenic for Familial cancer of breast. Last evaluated: 2017-02-23. Review status: criteria provided, single submitter. Criteria: ACMG Guidelines, 2015. Collection method: clinical testing. Allele origin: germline. Inheritance: Autosomal dominant inheritance. Affected: yes. Observed: 1 variant allele. Not counted in ClinVar's aggregate classification.

Consortium of Investigators of Modifiers of BRCA1/2 (CIMBA), c/o University of Cambridge
Classification: Pathogenic for Breast-ovarian cancer, familial, susceptibility to, 1. Last evaluated: 2015-10-02. Review status: criteria provided, single submitter. Criteria: CIMBA Mutation Classification guidelines May 2016. Collection method: clinical testing. Allele origin: germline. Not counted in ClinVar's aggregate classification.

Molecular Oncology, Hospital Universitario Central de Asturias (HUCA)
Classification: Pathogenic for Breast-ovarian cancer, familial, susceptibility to, 1. Last evaluated: 2021-05-24. Review status: no assertion criteria provided. Collection method: case-control. Allele origin: germline. Affected: yes. Not counted in ClinVar's aggregate classification.

Counsyl
Classification: Pathogenic for Breast-ovarian cancer, familial, susceptibility to, 1. Last evaluated: 2017-11-14. Review status: no assertion criteria provided. Collection method: clinical testing. Allele origin: unknown. Not counted in ClinVar's aggregate classification.

Research Molecular Genetics Laboratory, Women's College Hospital, University of Toronto
Classification: Pathogenic for Hereditary breast ovarian cancer syndrome. Last evaluated: 2014-01-31. Review status: no assertion criteria provided. Collection method: research. Allele origin: germline. Affected: yes. Study: The Canadian Open Genetics Repository (COGR). Not counted in ClinVar's aggregate classification.

Sharing Clinical Reports Project (SCRP)
Classification: Pathogenic for Breast-ovarian cancer, familial 1. Last evaluated: 2010-07-16. Review status: no assertion criteria provided. Collection method: clinical testing. Allele origin: germline. Not counted in ClinVar's aggregate classification.

Breast Cancer Information Core (BIC) (BRCA1)
Classification: Pathogenic for Breast-ovarian cancer, familial 1. Last evaluated: 2002-05-29. Review status: no assertion criteria provided. Collection method: clinical testing. Allele origin: germline. Affected: yes. Observed: 6 variant alleles. Not counted in ClinVar's aggregate classification.

Department of Pathology and Laboratory Medicine, Sinai Health System
Classification: Pathogenic. Review status: no assertion criteria provided. Collection method: clinical testing. Allele origin: unknown. Affected: yes. Study: The Canadian Open Genetics Repository (COGR). Not counted in ClinVar's aggregate classification.
Comment: The BRCA1 p.Gly559Valfs*13 variant was identified in 5 of 5020 proband chromosomes (frequency: 0.001) from individuals or families with non-hereditary diffuse gastric cancer, breast or ovarian cancer and was not identified in 2340 chromosomes from population-matched controls (Blay 2013, Couch 1997, de Juan Jimenez 2013, Sahasrabudhe 2017, Torres 2017). The variant was also identified in dbSNP (ID: rs80357600) as "With Pathogenic allele", ClinVar (classified as pathogenic by Invitae, GeneDx, and nine other submitters), COGR (1x pathogenic), LOVD 3.0 (6x pathogenic), BIC Database (6x with clinical importance), and in ARUP Laboratories database (definitely pathogenic). The variant was not identified in Cosmic, UMD-LSDB, or Zhejiang University databases. The variant was not identified in the following control databases: the Exome Aggregation Consortium (August 8th 2016) or the Genome Aggregation Database (Feb 27, 2017). The c.1674del variant is predicted to cause a frameshift, which alters the protein's amino acid sequence beginning at codon 559 and leads to a premature stop codon at position 571. This alteration is then predicted to result in a truncated or absent protein and loss of function. Loss of function variants of the BRCA1 gene are an established mechanism of disease in hereditary breast and ovarian cancer (HBOC) syndrome and is the type of variant expected to cause the disorder. In summary, based on the above information this variant meets our laboratoryâ€šÃ„Ã´s criteria to be classified as pathogenic.

Literature cited by the submitters: PubMed 11773283 (cited by 4 submitters); PubMed 23479189 (cited by 5 submitters); PubMed 23683081 (cited by 5 submitters); PubMed 28528518 (cited by 6 submitters); PubMed 28680148 (cited by 4 submitters); PubMed 33471991 (cited by Color Diagnostics, LLC DBA Color Health); PubMed 40413188 (cited by Color Diagnostics, LLC DBA Color Health); PubMed 20104584 (cited by Labcorp Genetics (formerly Invitae), Labcorp); PubMed 9145677 (cited by 6 submitters); PubMed 34413315 (cited by Quest Diagnostics Nichols Institute San Juan Capistrano and Mayo Clinic Laboratories, Mayo Clinic); PubMed 38922859 (cited by Quest Diagnostics Nichols Institute San Juan Capistrano and Molecular Oncology, Hospital Universitario Central de Asturias (HUCA)); PubMed 22044689 (cited by Quest Diagnostics Nichols Institute San Juan Capistrano and Ambry Genetics); PubMed 19340607 (cited by Quest Diagnostics Nichols Institute San Juan Capistrano and Ambry Genetics); PubMed 29446198 (cited by 3 submitters); PubMed 11304778 (cited by 3 submitters); PubMed 29752822 (cited by 4 submitters); PubMed 31825140 (cited by Quest Diagnostics Nichols Institute San Juan Capistrano and AiLife Diagnostics); PubMed 28024868 (cited by 5 submitters); PubMed 31921681 (cited by 4 submitters); PubMed 11844822 (cited by Ambry Genetics and Counsyl); PubMed 29021639 (cited by Ambry Genetics); PubMed 29805665 (cited by Ambry Genetics).